The following is an entry in ClinVar:

NM_152468.5(TMC8):c.34G>A (p.Ala12Thr)

Genes: TMC6 (transmembrane channel like 6; minus strand), TMC8 (transmembrane channel like 8; plus strand), LOC130061792 (ATAC-STARR-seq lymphoblastoid silent region 9043; plus strand). Cytogenetic location: 17q25.3.
Variant type: single nucleotide variant.
Coding change: c.34G>A on transcript NM_152468.5 (MANE Select); coding-DNA position 34, G replaced by A.
Protein change: p.Ala12Thr; replaces alanine 12 with threonine.
Molecular consequence: missense variant. On other transcripts: intron variant (1).
Genome position (GRCh38, 1-based): chr17:78,131,622, G>A. VCF-style: chr17-78131622-G-A. GRCh37 (hg19) VCF-style: chr17-76127703-G-A.
Other names: c.-75+719C>T (NM_007267.7); short protein forms A12T.
Identifiers: ClinVar variation 1965840 (VCV001965840.5), dbSNP rs2510742023, ClinGen allele CA401238633.

ClinVar aggregate classification (germline): Uncertain significance (1 of 4 stars; one submission).

Conditions:
Epidermodysplasia verruciformis. Identifiers: Orphanet 302, MedGen C0014522, MONDO:0009176.

Allele frequency attached by ClinVar (database versions not stated): gnomAD exomes below 0.00001.
gnomAD v4.1: 1 of 1,551,326 alleles (0.000064%); highest among the groups gnomAD compares: Non-Finnish European, 0.000087%; no homozygotes.

Submission:

Labcorp Genetics (formerly Invitae), Labcorp
Classification: Uncertain significance for Epidermodysplasia verruciformis. Last evaluated: 2022-08-09. Review status: criteria provided, single submitter. Criteria: Invitae Variant Classification Sherloc (09022015). Collection method: clinical testing. Allele origin: germline.
Comment: In summary, the available evidence is currently insufficient to determine the role of this variant in disease. Therefore, it has been classified as a Variant of Uncertain Significance. Algorithms developed to predict the effect of missense changes on protein structure and function output the following: SIFT: "Tolerated"; PolyPhen-2: "Benign"; Align-GVGD: "Class C0". The threonine amino acid residue is found in multiple mammalian species, which suggests that this missense change does not adversely affect protein function. This variant has not been reported in the literature in individuals affected with TMC8-related conditions. This variant is not present in population databases (gnomAD no frequency). This sequence change replaces alanine, which is neutral and non-polar, with threonine, which is neutral and polar, at codon 12 of the TMC8 protein (p.Ala12Thr).